The following is an entry in ClinVar:

NM_018429.3(BDP1):c.5929+7del

Gene: BDP1 (BDP1 general transcription factor IIIB subunit; plus strand). Cytogenetic location: 5q13.2.
Variant type: Deletion.
Coding change: c.5929+7del on transcript NM_018429.3 (MANE Select); 7 bases into the intron after coding-DNA position 5929, one base deleted (G; older notation c.5929+7delG).
Molecular consequence: intron variant.
Genome position (GRCh38, 1-based): chr5:71,539,085, G deleted. VCF-style (leftmost placement, unchanged base first): chr5-71539084-TG-T. GRCh37 (hg19) VCF-style: chr5-70834911-TG-T.
Identifiers: ClinVar variation 4977709 (VCV004977709.1).
Genomic context (GRCh38, chr5:71,539,084, plus strand): 5'-TATTTTTTTCCTTTTTAGGAAATGACCACAAGTGAACATATCCAAGATGAACCAGGTAAC[TG>T]TTATCAAGGAAACTGCTAAGACTACCTTGATTAACACTAGTACAGTGATTTAATAGTGGG-3'

ClinVar aggregate classification (germline): Likely benign (1 of 4 stars; one submission).

Conditions:
BDP1-related disorder. Also called: BDP1-related condition.

Submission:

PreventionGenetics, part of Exact Sciences
Classification: Likely benign for BDP1-related condition. Last evaluated: 2026-07-16. Review status: criteria provided, single submitter. Criteria: ACMG Guidelines, 2015. Collection method: clinical testing. Allele origin: germline.
Comment: This variant is classified as likely benign based on ACMG/AMP sequence variant interpretation guidelines (Richards et al. 2015 PMID: 25741868, with internal and published modifications).